The following is an entry in ClinVar:

ClinVar aggregate classification (germline): Conflicting classifications of pathogenicity. Review status: criteria provided, conflicting classifications (1 of 4 stars). 4 submissions from 4 submitters: Uncertain significance (1); Likely benign (2). 1 of the submissions does not count toward it. Last evaluated 2026-01-18.

Conditions:
Autoimmune interstitial lung disease-arthritis syndrome. Also called: Autoinflammation and autoimmunity, systemic, with immune dysregulation. Identifiers: Orphanet 444092, MedGen C5975714, MONDO:0014629.
Autoinflammation and autoimmunity with immune dysregulation 1. Also called: AUTOINFLAMMATION AND AUTOIMMUNITY, SYSTEMIC, WITH IMMUNE DYSREGULATION 1. Identifiers: MedGen CN381017, MONDO:0700391, OMIM 616414.
COPA-related disorder. Also called: COPA-related condition.

Allele frequency attached by ClinVar (database versions not stated): gnomAD 0.00032; TOPMed 0.00054; gnomAD exomes 0.00064 and 0.00068; ExAC 0.00070; ESP Exome Variant Server 0.00085.
gnomAD v4.1: 1,069 of 1,614,022 alleles (0.066%); highest among the groups gnomAD compares: Admixed American, 0.14%; no homozygotes.

Submissions (4):

Labcorp Genetics (formerly Invitae), Labcorp
Classification: Likely benign for Autoimmune interstitial lung disease-arthritis syndrome. Last evaluated: 2026-01-18. Review status: criteria provided, single submitter. Criteria: Invitae Variant Classification Sherloc (09022015). Collection method: clinical testing. Allele origin: germline.

Women's Health and Genetics/Laboratory Corporation of America, LabCorp
Classification: Likely benign. Last evaluated: 2025-12-17. Review status: criteria provided, single submitter. Criteria: LabCorp Variant Classification Summary - May 2015. Collection method: clinical testing. Allele origin: germline.

Genetics and Molecular Pathology, SA Pathology
Classification: Uncertain significance for Autoinflammation and autoimmunity with immune dysregulation 1. Last evaluated: 2022-08-22. Review status: criteria provided, single submitter. Criteria: ACMG Guidelines, 2015. Collection method: clinical testing. Allele origin: germline. Inheritance: Autosomal dominant inheritance. Affected: yes.

PreventionGenetics, part of Exact Sciences
Classification: Likely benign for COPA-related condition. Last evaluated: 2023-12-11. Review status: no assertion criteria provided. Collection method: clinical testing. Allele origin: germline. Not counted in ClinVar's aggregate classification.
Comment: This variant is classified as likely benign based on ACMG/AMP sequence variant interpretation guidelines (Richards et al. 2015 PMID: 25741868, with internal and published modifications).

NM_004371.4(COPA):c.2531G>A (p.Gly844Asp)

Gene: COPA (coat protein complex I subunit alpha; minus strand). Cytogenetic location: 1q23.2.
Variant type: single nucleotide variant.
Coding change: c.2531G>A on transcript NM_004371.4 (MANE Select); coding-DNA position 2531, G replaced by A.
Protein change: p.Gly844Asp; replaces glycine 844 with aspartic acid.
Molecular consequence: missense variant.
Genome position (GRCh38, 1-based): chr1:160,294,803, C>T on the plus strand (G>A on the coding strand, the complement: COPA is on the minus strand). VCF-style: chr1-160294803-C-T. GRCh37 (hg19) VCF-style: chr1-160264593-C-T.
Other names: c.2531G>A, p.Gly844Asp (LRG_1336t1); c.2558G>A, p.Gly853Asp (NM_001098398.2); short protein forms G853D, G844D.
Identifiers: ClinVar variation 476025 (VCV000476025.15), dbSNP rs143115096, ClinGen allele CA1197861.